The following is an entry in ClinVar:

NM_006766.5(KAT6A):c.3770GCA[1] (p.Ser1258del)

Gene: KAT6A (lysine acetyltransferase 6A; minus strand). Cytogenetic location: 8p11.21.
Variant type: Microsatellite.
Coding change: c.3770GCA[1] on transcript NM_006766.5 (MANE Select); one copy of the 3-base unit GCA starting at c.3770; the reference has two copies in a row; one copy, 3 bases deleted; also written c.3773_3775del.
Protein change: p.Ser1258del; deletes serine 1258.
Molecular consequence: inframe deletion.
Genome position (GRCh38, 1-based): chr8:41,934,445-41,934,447, TGC deleted on the plus strand (GCA on the coding strand, the reverse complement: KAT6A is on the minus strand); deleting any 3 consecutive bases within chr8:41,934,445-41,934,452 gives the same sequence; the position shown is the placement nearest the transcript's 3' end. VCF-style (leftmost placement, unchanged base first): chr8-41934444-TTGC-T. GRCh37 (hg19) VCF-style: chr8-41791962-TTGC-T.
Other names: c.3773_3775del (NM_006766.5); short protein forms S1258del.
Identifiers: ClinVar variation 4886315 (VCV004886315.2).

ClinVar aggregate classification (germline): Uncertain significance (1 of 4 stars; one submission).

Submission:

Dasa
Classification: Uncertain significance. Last evaluated: 2025-08-27. Review status: criteria provided, single submitter. Criteria: DASA Assertion Criteria. Collection method: clinical testing. Allele origin: germline.
Comment: NM_006766.5(KAT6A):c.3773_3775del (p.Ser1258del) is an in-frame deletion predicted to remove serine at protein position 1258 without shifting the reading frame. This variant is absent from population databases. The currently available literature and clinical evidence are not sufficient to establish a definitive association between this variant and the reported condition. Therefore, this variant is classified as a variant of uncertain significance.